The following is an entry in ClinVar:

NM_000051.4(ATM):c.5068C>G (p.His1690Asp)

Gene: ATM (ATM serine/threonine kinase; plus strand). Cytogenetic location: 11q22.3.
Variant type: single nucleotide variant.
Coding change: c.5068C>G on transcript NM_000051.4 (MANE Select); coding-DNA position 5068, C replaced by G.
Protein change: p.His1690Asp; replaces histidine 1690 with aspartic acid.
Molecular consequence: missense variant.
Genome position (GRCh38, 1-based): chr11:108,299,776, C>G. VCF-style: chr11-108299776-C-G. GRCh37 (hg19) VCF-style: chr11-108170503-C-G.
Other names: c.5068C>G, p.His1690Asp (NM_001351834.2); short protein forms H1690D.
Identifiers: ClinVar variation 640140 (VCV000640140.11), dbSNP rs1591702291, ClinGen allele CA382540547.

ClinVar aggregate classification (germline): Uncertain significance. Review status: criteria provided, multiple submitters, no conflicts (2 of 4 stars). 2 submissions from 2 submitters: Uncertain significance (2). Last evaluated 2025-04-02.

Conditions:
Familial cancer of breast. Also called: hereditary breast carcinoma; BREAST CANCER, FAMILIAL; Hereditary breast cancer. Identifiers: Orphanet 227535, MedGen C0346153, MONDO:0016419, OMIM 114480. Disease mechanism: loss of function.
Ataxia-telangiectasia syndrome (AT). Also called: LOUIS-BAR SYNDROME; Ataxia-telangiectasia, complementation group E; Ataxia-telangiectasia, complementation group D; AT, COMPLEMENTATION GROUP C; Ataxia telangiectasia (A-T); Cerebello-oculocutaneous telangiectasia. Identifiers: Orphanet 100, MedGen C0004135, MONDO:0008840, OMIM 208900.

Allele frequency attached by ClinVar (database versions not stated): TOPMed 0.00001.

Submissions (2):

Labcorp Genetics (formerly Invitae), Labcorp
Classification: Uncertain significance for Ataxia-telangiectasia syndrome. Last evaluated: 2025-04-02. Review status: criteria provided, single submitter. Criteria: Invitae Variant Classification Sherloc (09022015). Collection method: clinical testing. Allele origin: germline.
Comment: This sequence change replaces histidine, which is basic and polar, with aspartic acid, which is acidic and polar, at codon 1690 of the ATM protein (p.His1690Asp). This variant is not present in population databases (gnomAD no frequency). This variant has not been reported in the literature in individuals affected with ATM-related conditions. ClinVar contains an entry for this variant (Variation ID: 640140). Invitae Evidence Modeling of protein sequence and biophysical properties (such as structural, functional, and spatial information, amino acid conservation, physicochemical variation, residue mobility, and thermodynamic stability) indicates that this missense variant is not expected to disrupt ATM protein function with a negative predictive value of 95%. In summary, the available evidence is currently insufficient to determine the role of this variant in disease. Therefore, it has been classified as a Variant of Uncertain Significance.

Baylor Genetics
Classification: Uncertain significance for Familial cancer of breast. Last evaluated: 2024-01-05. Review status: criteria provided, single submitter. Criteria: ACMG Guidelines, 2015. Collection method: clinical testing. Allele origin: unknown.